The following is an entry in ClinVar:

ClinVar aggregate classification (germline): Pathogenic/Likely pathogenic. Review status: criteria provided, multiple submitters, no conflicts (2 of 4 stars). 2 submissions from 2 submitters: Pathogenic (1); Likely pathogenic (1). Last evaluated 2024-09-11.

Conditions:
Neurofibromatosis, type 1 (NF1). Also called: NEUROFIBROMATOSIS, TYPE I, SOMATIC; Peripheral type neurofibromatosis; Neurofibromatosis, type I; VON RECKLINGHAUSEN DISEASE. Identifiers: Orphanet 636, MedGen C0027831, MONDO:0018975, OMIM 162200. Disease mechanism: loss of function.

Submissions (2):

Institute of Medical Genetics and Applied Genomics, University Hospital Tübingen
Classification: Likely pathogenic for Neurofibromatosis, type 1. Last evaluated: 2024-09-11. Review status: criteria provided, single submitter. Criteria: ACMG Guidelines, 2015. Collection method: clinical testing. Allele origin: germline. Inheritance: Autosomal dominant inheritance. Affected: yes.

Labcorp Genetics (formerly Invitae), Labcorp
Classification: Pathogenic for Neurofibromatosis, type 1. Last evaluated: 2022-11-01. Review status: criteria provided, single submitter. Criteria: Invitae Variant Classification Sherloc (09022015). Collection method: clinical testing. Allele origin: germline.
Comment: For these reasons, this variant has been classified as Pathogenic. Algorithms developed to predict the effect of sequence changes on RNA splicing suggest that this variant may disrupt the consensus splice site. Advanced modeling of protein sequence and biophysical properties (such as structural, functional, and spatial information, amino acid conservation, physicochemical variation, residue mobility, and thermodynamic stability) performed at Invitae indicates that this missense variant is expected to disrupt NF1 protein function. ClinVar contains an entry for this variant (Variation ID: 1405100). This missense change has been observed in individual(s) with clinical features of neurofibromatosis type 1 (PMID: 30098238; Invitae). In at least one individual the variant was observed to be de novo. This variant is not present in population databases (gnomAD no frequency). This sequence change replaces cysteine, which is neutral and slightly polar, with serine, which is neutral and polar, at codon 904 of the NF1 protein (p.Cys904Ser).

Literature cited by the submitters: PubMed 30098238 (cited by Labcorp Genetics (formerly Invitae), Labcorp).

NM_001042492.3(NF1):c.2710T>A (p.Cys904Ser)

Gene: NF1 (neurofibromin 1; plus strand). Cytogenetic location: 17q11.2.
Variant type: single nucleotide variant.
Coding change: c.2710T>A on transcript NM_001042492.3 (MANE Select); coding-DNA position 2710, T replaced by A.
Protein change: p.Cys904Ser; replaces cysteine 904 with serine.
Molecular consequence: missense variant.
Genome position (GRCh38, 1-based): chr17:31,229,325, T>A. VCF-style: chr17-31229325-T-A. GRCh37 (hg19) VCF-style: chr17-29556343-T-A.
Other names: c.2710T>A, p.Cys904Ser (NM_000267.4); short protein forms C904S.
Identifiers: ClinVar variation 1405100 (VCV001405100.7), dbSNP rs2151429494, ClinGen allele CA398985084.
Genomic context (GRCh38, chr17:31,229,325, plus strand): 5'-GAGGGAAACGCAGATACACCTGTCAGCAAATTTATGGATCGGCTGTTGTCCTTAATGGTG[T>A]GTAACCATGAGAAAGTGGGACTTCAAATACGGACCAATGTTAAGGATCTGGTGGGTCTAG-3'
Protein context (NP_001035957.1, residues 894-914): FMDRLLSLMV[Cys904Ser]NHEKVGLQIR